The following is an entry in ClinVar:

NM_005592.4(MUSK):c.1898T>C (p.Phe633Ser)

Gene: MUSK (muscle associated receptor tyrosine kinase; plus strand). Cytogenetic location: 9q31.3.
Variant type: single nucleotide variant.
Coding change: c.1898T>C on transcript NM_005592.4 (MANE Select); coding-DNA position 1898, T replaced by C.
Protein change: p.Phe633Ser; replaces phenylalanine 633 with serine.
Molecular consequence: missense variant.
Genome position (GRCh38, 1-based): chr9:110,787,809, T>C. VCF-style: chr9-110787809-T-C. GRCh37 (hg19) VCF-style: chr9-113550089-T-C.
Other names: c.1640T>C, p.Phe547Ser (NM_001166280.2); c.1610T>C, p.Phe537Ser (NM_001166281.2); c.638T>C, p.Phe213Ser (NM_001369398.1); short protein forms F213S, F537S, F547S, F633S.
Identifiers: ClinVar variation 999990 (VCV000999990.9), dbSNP rs1161007370, ClinGen allele CA374476570.
Genomic context (GRCh38, chr9:110,787,809, plus strand): 5'-AAGAAGCCTCGGCAGATATGCAAGCGGACTTTCAGAGGGAGGCAGCCCTCATGGCAGAAT[T>C]TGACAACCCTAACATTGTGAAGCTATTAGGTATGAAAATACAAGTGAGGATATGTATTTC-3'
Protein context (NP_005583.1, residues 623-643): FQREAALMAE[Phe633Ser]DNPNIVKLLG

ClinVar aggregate classification (germline): Uncertain significance (1 of 4 stars; one submission).

Conditions:
Congenital myasthenic syndrome 9. Also called: Myasthenic syndrome, congenital, 9, associated with acetylcholine receptor deficiency. Identifiers: Orphanet 590, MedGen C4225368, MONDO:0014587, OMIM 616325.
Fetal akinesia deformation sequence 1 (FADS1). Also called: Fetal akinesia sequence; Pena-Shokeir syndrome type I. Identifiers: Orphanet 994, MedGen C1276035, MONDO:0100101, OMIM 208150, HP:0001989.

Allele frequency attached by ClinVar (database versions not stated): gnomAD exomes below 0.00001 and 0.00001.
gnomAD v4.1: 9 of 1,613,252 alleles (0.00056%); highest among the groups gnomAD compares: Non-Finnish European, 0.00068%; no homozygotes.

Submission:

Labcorp Genetics (formerly Invitae), Labcorp
Classification: Uncertain significance for Congenital myasthenic syndrome 9; Fetal akinesia deformation sequence 1. Last evaluated: 2020-12-07. Review status: criteria provided, single submitter. Criteria: Invitae Variant Classification Sherloc (09022015). Collection method: clinical testing. Allele origin: germline.
Comment: This sequence change replaces phenylalanine with serine at codon 633 of the MUSK protein (p.Phe633Ser). The phenylalanine residue is highly conserved and there is a large physicochemical difference between phenylalanine and serine. This variant is not present in population databases (ExAC no frequency). This variant has not been reported in the literature in individuals with MUSK-related conditions. Advanced modeling of protein sequence and biophysical properties (such as structural, functional, and spatial information, amino acid conservation, physicochemical variation, residue mobility, and thermodynamic stability) performed at Invitae indicates that this missense variant is expected to disrupt MUSK protein function. In summary, the available evidence is currently insufficient to determine the role of this variant in disease. Therefore, it has been classified as a Variant of Uncertain Significance.